The following is an entry in ClinVar:

ClinVar aggregate classification (germline): Uncertain significance (1 of 4 stars; one submission).

Conditions:
Charcot-Marie-Tooth disease type 4C (CMT4C). Also called: CHARCOT-MARIE-TOOTH DISEASE, DEMYELINATING, AUTOSOMAL RECESSIVE, TYPE 4C; CHARCOT-MARIE-TOOTH DISEASE, DEMYELINATING, TYPE 4C; SH3TC2-Related Hereditary Motor and Sensory Neuropathy; CMT 4C; Charcot-Marie-Tooth Neuropathy Type 4C (CMT4C). Identifiers: Orphanet 99949, MedGen C1866636, MONDO:0011113, OMIM 601596.

Submission:

Neuberg Centre For Genomic Medicine, NCGM
Classification: Uncertain significance for Charcot-Marie-Tooth disease type 4C. Last evaluated: 2023-05-20. Review status: criteria provided, single submitter. Criteria: ACMG Guidelines, 2015. Collection method: clinical testing. Allele origin: germline. Inheritance: Autosomal recessive inheritance. Affected: yes.
Comment: The missense variant c.2627C>A (p.Ala876Glu) in the SH3TC2 gene has not been reported previously as a pathogenic variant nor as a benign variant, to our knowledge. This variant is absent in the gnomAD Exomes. The amino acid Alanine at position 876 is changed to a Glutamic Acid changing protein sequence and it might alter its composition and physico-chemical properties. Multiple lines of computational evidence (Polyphen - Damaging, SIFT - Damaging and MutationTaster - Disease causing) predict a damaging effect on protein structure and function for this variant. The amino acid change p.Ala876Glu in SH3TC2 is predicted as conserved by GERP++ and PhyloP across 100 vertebrates. For these reasons, this variant has been classified as Uncertain Significance.

NM_024577.4(SH3TC2):c.2627C>A (p.Ala876Glu)

Gene: SH3TC2 (SH3 domain and tetratricopeptide repeats 2; minus strand). Cytogenetic location: 5q32.
Variant type: single nucleotide variant.
Coding change: c.2627C>A on transcript NM_024577.4 (MANE Select); coding-DNA position 2627, C replaced by A.
Protein change: p.Ala876Glu; replaces alanine 876 with glutamic acid.
Molecular consequence: missense variant.
Genome position (GRCh38, 1-based): chr5:149,027,105, G>T on the plus strand (C>A on the coding strand, the complement: SH3TC2 is on the minus strand). VCF-style: chr5-149027105-G-T. GRCh37 (hg19) VCF-style: chr5-148406668-G-T.
Other names: short protein forms A876E.
Identifiers: ClinVar variation 3341308 (VCV003341308.1).